The following is an entry in ClinVar:

ClinVar aggregate classification (germline): Uncertain significance (1 of 4 stars; one submission).

Conditions:
Hereditary cancer-predisposing syndrome. Also called: Neoplastic Syndromes, Hereditary; Tumor predisposition; Hereditary Cancer Syndrome; Hereditary neoplastic syndrome. Identifiers: Orphanet 140162, MedGen C0027672, MeSH D009386, MONDO:0015356.

Submission:

Ambry Genetics
Classification: Uncertain significance for Hereditary cancer-predisposing syndrome. Last evaluated: 2026-05-21. Review status: criteria provided, single submitter. Criteria: Ambry Variant Classification Scheme 2023. Collection method: clinical testing. Allele origin: germline.
Comment: The p.L589P variant (also known as c.1766T>C), located in coding exon 11 of the BRIP1 gene, results from a T to C substitution at nucleotide position 1766. The leucine at codon 589 is replaced by proline, an amino acid with similar properties. This amino acid position is conserved. In addition, this alteration is predicted to be deleterious by in silico analysis. Based on the available evidence, the clinical significance of this variant remains unclear.

NM_032043.3(BRIP1):c.1766T>C (p.Leu589Pro)

Gene: BRIP1 (BRCA1 interacting DNA helicase 1; minus strand). Cytogenetic location: 17q23.2.
Variant type: single nucleotide variant.
Coding change: c.1766T>C on transcript NM_032043.3 (MANE Select); coding-DNA position 1766, T replaced by C.
Protein change: p.Leu589Pro; replaces leucine 589 with proline.
Molecular consequence: missense variant.
Genome position (GRCh38, 1-based): chr17:61,780,868, A>G on the plus strand (T>C on the coding strand, the complement: BRIP1 is on the minus strand). VCF-style: chr17-61780868-A-G. GRCh37 (hg19) VCF-style: chr17-59858229-A-G.
Other names: short protein forms L589P.
Identifiers: ClinVar variation 4867934 (VCV004867934.1).
Genomic context (GRCh38, chr17:61,780,868, plus strand): 5'-AGACAAAATTTCCATTTACATGATGAGCTTACCACAGCTGGATTTAAGCACCAAAAGTTT[A>G]GCACATGAACTGCAGTTTTCTGTCGTGAACGTTTCTTATTTTTTGGTAGAACCAACAACC-3'
Protein context (NP_114432.2, residues 579-599): RSRQKTAVHV[Leu589Pro]NFWCLNPAVA